The following is an entry in ClinVar:

NM_153603.4(COG7):c.2088G>A (p.Ala696=)

Gene: COG7 (component of oligomeric golgi complex 7; minus strand). Cytogenetic location: 16p12.2.
Variant type: single nucleotide variant.
Coding change: c.2088G>A on transcript NM_153603.4 (MANE Select); coding-DNA position 2088, G replaced by A.
Protein change: p.Ala696=; no amino-acid change (alanine 696 retained).
Molecular consequence: synonymous variant.
Genome position (GRCh38, 1-based): chr16:23,392,438, C>T on the plus strand (G>A on the coding strand, the complement: COG7 is on the minus strand). VCF-style: chr16-23392438-C-T. GRCh37 (hg19) VCF-style: chr16-23403759-C-T.
Identifiers: ClinVar variation 3019845 (VCV003019845.4), dbSNP rs148049184, ClinGen allele CA7960794.

ClinVar aggregate classification (germline): Likely benign. Review status: criteria provided, multiple submitters, no conflicts (2 of 4 stars). 2 submissions from 2 submitters: Likely benign (2). Last evaluated 2026-09-01.

Conditions:
COG7 congenital disorder of glycosylation (CDG2E). Also called: CONGENITAL DISORDER OF GLYCOSYLATION, TYPE IIe; CDG IIe. Identifiers: Orphanet 79333, MedGen C2931010, MONDO:0012118, OMIM 608779.

Allele frequency attached by ClinVar (database versions not stated): ExAC 0.00001; ESP Exome Variant Server 0.00008.
gnomAD v4.1: 4 of 1,614,180 alleles (0.00025%); highest among the groups gnomAD compares: South Asian, 0.0011%; no homozygotes.

Submissions (2):

CeGaT Center for Human Genetics Tuebingen
Classification: Likely benign. Last evaluated: 2026-09-01. Review status: criteria provided, single submitter. Criteria: CeGaT Center For Human Genetics Tuebingen Variant Classification Criteria Version 2. Collection method: clinical testing. Allele origin: germline. Affected: yes. Observed: 1 variant allele.
Comment: COG7: BP4, BP7

Labcorp Genetics (formerly Invitae), Labcorp
Classification: Likely benign for COG7 congenital disorder of glycosylation. Last evaluated: 2023-01-06. Review status: criteria provided, single submitter. Criteria: Invitae Variant Classification Sherloc (09022015). Collection method: clinical testing. Allele origin: germline.